The following is an entry in ClinVar:

ClinVar aggregate classification (germline): Uncertain significance (1 of 4 stars; one submission).

Conditions:
Cohen syndrome (COH1). Also called: Cutis verticis gyrata, retinitis pigmentosa, and sensorineural deafness; PEPPER SYNDROME. Identifiers: Orphanet 193, MedGen C0265223, MONDO:0008999, OMIM 216550.

Allele frequency attached by ClinVar (database versions not stated): gnomAD exomes below 0.00001; ExAC 0.00003.
gnomAD v4.1: 1 of 1,507,830 alleles (0.000066%); highest among the groups gnomAD compares: South Asian, 0.0012%; no homozygotes.

Submission:

Labcorp Genetics (formerly Invitae), Labcorp
Classification: Uncertain significance for Cohen syndrome. Last evaluated: 2022-11-28. Review status: criteria provided, single submitter. Criteria: Invitae Variant Classification Sherloc (09022015). Collection method: clinical testing. Allele origin: germline.
Comment: Advanced modeling of protein sequence and biophysical properties (such as structural, functional, and spatial information, amino acid conservation, physicochemical variation, residue mobility, and thermodynamic stability) performed at Invitae indicates that this missense variant is not expected to disrupt VPS13B protein function. In summary, the available evidence is currently insufficient to determine the role of this variant in disease. Therefore, it has been classified as a Variant of Uncertain Significance. This variant has not been reported in the literature in individuals affected with VPS13B-related conditions. The frequency data for this variant in the population databases is considered unreliable, as metrics indicate poor data quality at this position in the gnomAD database. This sequence change replaces proline, which is neutral and non-polar, with serine, which is neutral and polar, at codon 3149 of the VPS13B protein (p.Pro3149Ser).

NM_152564.5(VPS13B):c.9370C>T (p.Pro3124Ser)

Gene: VPS13B (vacuolar protein sorting 13 homolog B; plus strand). Cytogenetic location: 8q22.2.
Variant type: single nucleotide variant.
Coding change: c.9370C>T on transcript NM_152564.5 (MANE Select); coding-DNA position 9370, C replaced by T.
Protein change: p.Pro3124Ser; replaces proline 3124 with serine.
Molecular consequence: missense variant.
Genome position (GRCh38, 1-based): chr8:99,832,408, C>T. VCF-style: chr8-99832408-C-T. GRCh37 (hg19) VCF-style: chr8-100844636-C-T.
Other names: c.9445C>T, p.Pro3149Ser (NM_017890.5); short protein forms P3124S, P3149S.
Identifiers: ClinVar variation 3023129 (VCV003023129.1), dbSNP rs771701590, ClinGen allele CA4824701.
Genomic context (GRCh38, chr8:99,832,408, plus strand): 5'-TTTTTTTTTTTTTTTTTTTAGTATTTTCGTGTTCCAGACAGTGCTACTTTTAGCATTTGC[C>T]CAGGTGGAGAGCAGCCTGCTATGAAATCCAGCTCCCTTCCTTGCTGGGACTTGATGCCTG-3'
Protein context (NP_689777.3, residues 3114-3134): VPDSATFSIC[Pro3124Ser]GGEQPAMKSS